The following is an entry in ClinVar:

NM_017763.6(RNF43):c.823T>G (p.Cys275Gly)

Gene: RNF43 (ring finger protein 43; minus strand). Cytogenetic location: 17q22.
Variant type: single nucleotide variant.
Coding change: c.823T>G on transcript NM_017763.6 (MANE Select); coding-DNA position 823, T replaced by G.
Protein change: p.Cys275Gly; replaces cysteine 275 with glycine.
Molecular consequence: missense variant.
Genome position (GRCh38, 1-based): chr17:58,360,809, A>C on the plus strand (T>G on the coding strand, the complement: RNF43 is on the minus strand). VCF-style: chr17-58360809-A-C. GRCh37 (hg19) VCF-style: chr17-56438170-A-C.
Other names: c.823T>G, p.Cys275Gly (NM_001305544.3, NM_001438820.1, NM_001438821.1 and 1 more transcripts); c.442T>G, p.Cys148Gly (NM_001305545.2, NM_001437987.1); short protein forms C148G, C275G.
Identifiers: ClinVar variation 4863412 (VCV004863412.1).

ClinVar aggregate classification (germline): Uncertain significance (1 of 4 stars; one submission).

gnomAD v4.1: 1 of 1,612,440 alleles (0.000062%); highest among the groups gnomAD compares: Non-Finnish European, 0.000085%; no homozygotes.

Submission:

Ambry Genetics
Classification: Uncertain significance. Last evaluated: 2026-04-30. Review status: criteria provided, single submitter. Criteria: Ambry Variant Classification Scheme 2023. Collection method: clinical testing. Allele origin: germline.
Comment: The p.C275G variant (also known as c.823T>G), located in coding exon 6 of the RNF43 gene, results from a T to G substitution at nucleotide position 823. The cysteine at codon 275 is replaced by glycine, an amino acid with highly dissimilar properties. This amino acid position is conserved. In addition, this alteration is predicted to be deleterious by in silico analysis. Based on the available evidence, the clinical significance of this variant remains unclear.